The following is an entry in ClinVar:

NM_006922.4(SCN3A):c.3384A>C (p.Glu1128Asp)

Gene: SCN3A (sodium voltage-gated channel alpha subunit 3; minus strand). Cytogenetic location: 2q24.3.
Variant type: single nucleotide variant.
Coding change: c.3384A>C on transcript NM_006922.4 (MANE Select); coding-DNA position 3384, A replaced by C.
Protein change: p.Glu1128Asp; replaces glutamic acid 1128 with aspartic acid.
Molecular consequence: missense variant.
Genome position (GRCh38, 1-based): chr2:165,127,640, T>G on the plus strand (A>C on the coding strand, the complement: SCN3A is on the minus strand). VCF-style: chr2-165127640-T-G. GRCh37 (hg19) VCF-style: chr2-165984150-T-G.
Other names: c.3237A>C, p.Glu1079Asp (NM_001081676.2, NM_001081677.2); short protein forms E1079D, E1128D.
Identifiers: ClinVar variation 2581875 (VCV002581875.1), dbSNP rs2468232290, ClinGen allele CA349039741.

ClinVar aggregate classification (germline): Uncertain significance (1 of 4 stars; one submission).

Submission:

GeneDx
Classification: Uncertain significance. Last evaluated: 2023-04-01. Review status: criteria provided, single submitter. Criteria: GeneDx Variant Classification Process June 2021. Collection method: clinical testing. Allele origin: germline. Affected: yes.
Comment: Not observed at significant frequency in large population cohorts (gnomAD); In silico analysis supports that this missense variant does not alter protein structure/function; Has not been previously published as pathogenic or benign to our knowledge